The following is an entry in ClinVar:

NM_001376571.1(MADD):c.2851A>G (p.Ser951Gly)

Gene: MADD (MAP kinase activating death domain; plus strand). Cytogenetic location: 11p11.2.
Variant type: single nucleotide variant.
Coding change: c.2851A>G on transcript NM_001376571.1 (MANE Select); coding-DNA position 2851, A replaced by G.
Protein change: p.Ser951Gly; replaces serine 951 with glycine.
Molecular consequence: missense variant. On other transcripts: non-coding transcript variant (7), intron variant (1).
Genome position (GRCh38, 1-based): chr11:47,289,901, A>G. VCF-style: chr11-47289901-A-G. GRCh37 (hg19) VCF-style: chr11-47311452-A-G.
Other names: c.2851A>G, p.Ser951Gly (NM_001376600.1, NM_001376601.1, NM_001376605.1 and 11 more transcripts); c.2698A>G, p.Ser900Gly (NM_001376602.1); c.2662A>G, p.Ser888Gly (NM_001376603.1, NM_001376604.1, NM_001376619.1 and 20 more transcripts); c.2722A>G, p.Ser908Gly (NM_001376607.1, NM_001376624.1, NM_001376625.1 and 15 more transcripts); c.2791A>G, p.Ser931Gly (NM_001376608.1, NM_001376622.1, NM_001376623.1 and 12 more transcripts); c.2587A>G, p.Ser863Gly (NM_001376620.1, NM_001376657.1); c.2647A>G, p.Ser883Gly (NM_001376626.1, NM_001376648.1); c.2518A>G, p.Ser840Gly (NM_001376627.1, NM_001376646.1, NM_001376659.1 and 2 more transcripts); and 9 more; short protein forms S899G, S908G, S957G, S879G, S883G, S897G, S900G, S709G.
Identifiers: ClinVar variation 2599536 (VCV002599536.3), dbSNP rs780548837, ClinGen allele CA5974601.

ClinVar aggregate classification (germline): Conflicting classifications of pathogenicity. Review status: criteria provided, conflicting classifications (1 of 4 stars). 2 submissions from 2 submitters: Uncertain significance (1); Likely benign (1). Last evaluated 2024-09-20.

Conditions:
Inborn genetic diseases. Identifiers: MedGen C0950123, MeSH D030342.
Neurodevelopmental disorder with dysmorphic facies, impaired speech, and hypotonia. Identifiers: MedGen C5436585, MONDO:0033562, OMIM 619005.
Deeah syndrome. Also called: DEVELOPMENTAL DELAY WITH ENDOCRINE, EXOCRINE, AUTONOMIC, AND HEMATOLOGIC ABNORMALITIES. Identifiers: Orphanet 686495, MedGen C5436579, MONDO:0033561, OMIM 619004.

Allele frequency attached by ClinVar (database versions not stated): ExAC 0.00001; gnomAD exomes 0.00001; TOPMed 0.00001; gnomAD 0.00002.
gnomAD v4.1: 24 of 1,613,932 alleles (0.0015%); highest among the groups gnomAD compares: Non-Finnish European, 0.0019%; no homozygotes.

Submissions (2):

3billion
Classification: Likely benign for Neurodevelopmental disorder with dysmorphic facies, impaired speech, and hypotonia; Deeah syndrome. Last evaluated: 2024-09-20. Review status: criteria provided, single submitter. Criteria: ACMG Guidelines, 2015. Collection method: clinical testing. Allele origin: germline. Affected: no.
Comment: The homozygous variant was found in patients diagnosed with another variant in a different gene, with no symptoms related to the gene containing the homozygous variant.

Ambry Genetics
Classification: Uncertain significance for Inborn genetic diseases. Last evaluated: 2023-07-05. Review status: criteria provided, single submitter. Criteria: Ambry Variant Classification Scheme 2023. Collection method: clinical testing. Allele origin: germline.